The following is an entry in ClinVar:

NM_152703.5(SAMD9L):c.1541C>T (p.Pro514Leu)

Gene: SAMD9L (sterile alpha motif domain containing 9 like; minus strand). Cytogenetic location: 7q21.2.
Variant type: single nucleotide variant.
Coding change: c.1541C>T on transcript NM_152703.5 (MANE Select); coding-DNA position 1541, C replaced by T.
Protein change: p.Pro514Leu; replaces proline 514 with leucine.
Molecular consequence: missense variant.
Genome position (GRCh38, 1-based): chr7:93,134,431, G>A on the plus strand (C>T on the coding strand, the complement: SAMD9L is on the minus strand). VCF-style: chr7-93134431-G-A. GRCh37 (hg19) VCF-style: chr7-92763744-G-A.
Other names: c.1541C>T (NM_152703.2); c.1541C>T, p.Pro514Leu (NM_001303496.3, NM_001303497.3, NM_001303498.3 and 5 more transcripts); short protein forms P514L.
Identifiers: ClinVar variation 1503303 (VCV001503303.8), dbSNP rs374622073, ClinGen allele CA161962287.

ClinVar aggregate classification (germline): Uncertain significance. Review status: criteria provided, multiple submitters, no conflicts (2 of 4 stars). 3 submissions from 3 submitters: Uncertain significance (3). Last evaluated 2026-01-20.

Conditions:
Inborn genetic diseases. Identifiers: MedGen C0950123, MeSH D030342.

Allele frequency attached by ClinVar (database versions not stated): gnomAD exomes below 0.00001; TOPMed 0.00001; ESP Exome Variant Server 0.00008.
gnomAD v4.1: 3 of 1,613,758 alleles (0.00019%); highest among the groups gnomAD compares: Non-Finnish European, 0.00025%; no homozygotes.

Submissions (3):

Women's Health and Genetics/Laboratory Corporation of America, LabCorp
Classification: Uncertain significance. Last evaluated: 2026-01-20. Review status: criteria provided, single submitter. Criteria: LabCorp Variant Classification Summary - May 2015. Collection method: clinical testing. Allele origin: germline.
Comment: Variant summary: SAMD9L c.1541C>T (p.Pro514Leu) results in a non-conservative amino acid change in the encoded protein sequence. Algorithms developed to predict the effect of missense changes on protein structure and function are either unavailable or do not agree on the potential impact of this missense change. The variant was absent in 250502 control chromosomes. The available data on variant occurrences in the general population are insufficient to allow any conclusion about variant significance. To our knowledge, no occurrence of c.1541C>T in individuals affected with SAMD9L-related conditions and no experimental evidence demonstrating its impact on protein function have been reported. ClinVar contains an entry for this variant (Variation ID: 1503303). Based on the evidence outlined above, the variant was classified as uncertain significance.

Ambry Genetics
Classification: Uncertain significance for Inborn genetic diseases. Last evaluated: 2025-01-19. Review status: criteria provided, single submitter. Criteria: Ambry Variant Classification Scheme 2023. Collection method: clinical testing. Allele origin: germline.
Comment: The p.P514L variant (also known as c.1541C>T), located in coding exon 1 of the SAMD9L gene, results from a C to T substitution at nucleotide position 1541. The proline at codon 514 is replaced by leucine, an amino acid with similar properties. This amino acid position is conserved. In addition, this alteration is predicted to be tolerated by in silico analysis. Based on the available evidence, the clinical significance of this variant remains unclear.

Labcorp Genetics (formerly Invitae), Labcorp
Classification: Uncertain significance. Last evaluated: 2023-10-03. Review status: criteria provided, single submitter. Criteria: Invitae Variant Classification Sherloc (09022015). Collection method: clinical testing. Allele origin: germline.
Comment: This sequence change replaces proline, which is neutral and non-polar, with leucine, which is neutral and non-polar, at codon 514 of the SAMD9L protein (p.Pro514Leu). This variant is not present in population databases (gnomAD no frequency). This variant has not been reported in the literature in individuals affected with SAMD9L-related conditions. ClinVar contains an entry for this variant (Variation ID: 1503303). Advanced modeling of protein sequence and biophysical properties (such as structural, functional, and spatial information, amino acid conservation, physicochemical variation, residue mobility, and thermodynamic stability) performed at Invitae indicates that this missense variant is not expected to disrupt SAMD9L protein function. In summary, the available evidence is currently insufficient to determine the role of this variant in disease. Therefore, it has been classified as a Variant of Uncertain Significance.